The following is an entry in ClinVar:

ClinVar aggregate classification (germline): Likely benign. Review status: criteria provided, multiple submitters, no conflicts (2 of 4 stars). 5 submissions from 5 submitters: Likely benign (5). Last evaluated 2026-08-10.

Conditions:
Brugada syndrome 4 (BRGDA4). Identifiers: Orphanet 130, MedGen C2678477, MONDO:0012743, OMIM 611876.
CACNB2-related disorder. Also called: CACNB2-related condition.

Allele frequency attached by ClinVar (database versions not stated): ExAC 0.00003; gnomAD exomes 0.00005; TOPMed 0.00006; gnomAD 0.00008 and 0.00009.
gnomAD v4.1: 174 of 1,613,930 alleles (0.011%); highest among the groups gnomAD compares: Non-Finnish European, 0.014%; no homozygotes.

Submissions (5):

PreventionGenetics, part of Exact Sciences
Classification: Likely benign for CACNB2-related condition. Last evaluated: 2026-08-10. Review status: criteria provided, single submitter. Criteria: ACMG Guidelines, 2015. Collection method: clinical testing. Allele origin: germline.
Comment: This variant is classified as likely benign based on ACMG/AMP sequence variant interpretation guidelines (Richards et al. 2015 PMID: 25741868, with internal and published modifications).

Labcorp Genetics (formerly Invitae), Labcorp
Classification: Likely benign for Brugada syndrome 4. Last evaluated: 2025-07-29. Review status: criteria provided, single submitter. Criteria: Invitae Variant Classification Sherloc (09022015). Collection method: clinical testing. Allele origin: germline.

Blueprint Genetics
Classification: Likely benign. Last evaluated: 2023-02-03. Review status: criteria provided, single submitter. Criteria: ACMG Guidelines, 2015. Collection method: clinical testing. Allele origin: germline.

Fulgent Genetics
Classification: Likely benign for Brugada syndrome 4. Last evaluated: 2021-08-24. Review status: criteria provided, single submitter. Criteria: ACMG Guidelines, 2015. Collection method: clinical testing. Allele origin: unknown.

GeneDx
Classification: Likely benign. Last evaluated: 2020-07-14. Review status: criteria provided, single submitter. Criteria: GeneDx Variant Classification Process June 2021. Collection method: clinical testing. Allele origin: germline. Affected: yes.

NM_201596.3(CACNB2):c.334-7A>T

Gene: CACNB2 (calcium voltage-gated channel auxiliary subunit beta 2; plus strand). Cytogenetic location: 10p12.31.
Variant type: single nucleotide variant.
Coding change: c.334-7A>T on transcript NM_201596.3 (MANE Select); 7 bases into the intron before coding-DNA position 334, A replaced by T.
Molecular consequence: intron variant.
Genome position (GRCh38, 1-based): chr10:18,498,348, A>T. VCF-style: chr10-18498348-A-T. GRCh37 (hg19) VCF-style: chr10-18787277-A-T.
Other names: c.172-7A>T (NM_201590.2, NM_201590.3); c.250-7A>T (NM_201571.4, NM_001167945.2, NM_201572.4); c.334-7A>T (NM_201593.3, NM_201597.3); c.169-7A>T (NM_000724.4, NM_001330060.2); c.190-7A>T (NM_201570.3).
Identifiers: ClinVar variation 1146755 (VCV001146755.14), dbSNP rs779728445, ClinGen allele CA5429592.